The following is an entry in ClinVar:

ClinVar aggregate classification (germline): Uncertain significance (1 of 4 stars; one submission).

Conditions:
Epidermolysis bullosa simplex with nail dystrophy (EBS5D). Identifiers: MedGen C4225309, MONDO:0014661, OMIM 616487.
Epidermolysis bullosa simplex, Ogna type (EBS5A). Also called: EPIDERMOLYSIS BULLOSA SIMPLEX 5A, OGNA TYPE; Pidermolysis bullosa simplex 5A, Ogna type. Identifiers: Orphanet 79401, MedGen C0432317, MONDO:0007555, OMIM 131950.
Autosomal recessive limb-girdle muscular dystrophy type 2Q (LGMDR17). Also called: MUSCULAR DYSTROPHY, LIMB-GIRDLE, AUTOSOMAL RECESSIVE 17. Identifiers: Orphanet 254361, MedGen C3150989, MONDO:0013390, OMIM 613723.
Epidermolysis bullosa simplex 5B, with muscular dystrophy (EBS5B). Also called: EPIDERMOLYSIS BULLOSA SIMPLEX AND LIMB-GIRDLE MUSCULAR DYSTROPHY; Epidermolysis bullosa simplex with muscular dystrophy. Identifiers: Orphanet 257, MedGen C2931072, MONDO:0009181, OMIM 226670.
Epidermolysis bullosa simplex 5C, with pyloric atresia (EBS5C). Also called: PLEC1-Related Epidermolysis Bullosa with Pyloric Atresia; PLEC-Related Epidermolysis Bullosa with Pyloric Atresia; Epidermolysis bullosa simplex with pyloric atresia. Identifiers: Orphanet 158684, MedGen C2677349, MONDO:0012807, OMIM 612138.

Submission:

Labcorp Genetics (formerly Invitae), Labcorp
Classification: Uncertain significance for Autosomal recessive limb-girdle muscular dystrophy type 2Q; Epidermolysis bullosa simplex, Ogna type; Epidermolysis bullosa simplex with nail dystrophy; Epidermolysis bullosa simplex 5C, with pyloric atresia; Epidermolysis bullosa simplex 5B, with muscular dystrophy. Last evaluated: 2024-12-19. Review status: criteria provided, single submitter. Criteria: Invitae Variant Classification Sherloc (09022015). Collection method: clinical testing. Allele origin: germline.
Comment: This sequence change replaces glutamine, which is neutral and polar, with histidine, which is basic and polar, at codon 2520 of the PLEC protein (p.Gln2520His). This variant is not present in population databases (gnomAD no frequency). This variant has not been reported in the literature in individuals affected with PLEC-related conditions. An algorithm developed to predict the effect of missense changes on protein structure and function (PolyPhen-2) suggests that this variant is likely to be disruptive. In summary, the available evidence is currently insufficient to determine the role of this variant in disease. Therefore, it has been classified as a Variant of Uncertain Significance.

NM_201384.3(PLEC):c.7479A>T (p.Gln2493His)

Gene: PLEC (plectin; minus strand). Cytogenetic location: 8q24.3.
Variant type: single nucleotide variant.
Coding change: c.7479A>T on transcript NM_201384.3 (MANE Select); coding-DNA position 7479, A replaced by T.
Protein change: p.Gln2493His; replaces glutamine 2493 with histidine.
Molecular consequence: missense variant.
Genome position (GRCh38, 1-based): chr8:143,922,342, T>A on the plus strand (A>T on the coding strand, the complement: PLEC is on the minus strand). VCF-style: chr8-143922342-T-A. GRCh37 (hg19) VCF-style: chr8-144996510-T-A.
Other names: c.7560A>T, p.Gln2520His (NM_000445.5); c.4179A>T, p.Gln1393His (NM_001410941.1); c.7437A>T, p.Gln2479His (NM_201378.4); c.7413A>T, p.Gln2471His (NM_201379.3); c.7890A>T, p.Gln2630His (NM_201380.4); c.7383A>T, p.Gln2461His (NM_201381.3); c.7479A>T, p.Gln2493His (NM_201382.4); c.7491A>T, p.Gln2497His (NM_201383.3); short protein forms Q1393H, Q2461H, Q2471H, Q2479H, Q2493H, Q2497H, Q2520H, Q2630H.
Identifiers: ClinVar variation 3758632 (VCV003758632.2).